The following is an entry in ClinVar:

NM_004252.5(NHERF1):c.491A>T (p.Tyr164Phe)

Gene: NHERF1 (NHERF family PDZ scaffold protein 1; plus strand). Cytogenetic location: 17q25.1.
Variant type: single nucleotide variant.
Coding change: c.491A>T on transcript NM_004252.5 (MANE Select); coding-DNA position 491, A replaced by T.
Protein change: p.Tyr164Phe; replaces tyrosine 164 with phenylalanine.
Molecular consequence: missense variant.
Genome position (GRCh38, 1-based): chr17:74,762,061, A>T. VCF-style: chr17-74762061-A-T. GRCh37 (hg19) VCF-style: chr17-72758200-A-T.
Other names: short protein forms Y164F.
Identifiers: ClinVar variation 3002399 (VCV003002399.3), dbSNP rs1470649814, ClinGen allele CA400938943.

ClinVar aggregate classification (germline): Uncertain significance (1 of 4 stars; one submission).

Submission:

Labcorp Genetics (formerly Invitae), Labcorp
Classification: Uncertain significance. Last evaluated: 2024-02-17. Review status: criteria provided, single submitter. Criteria: Invitae Variant Classification Sherloc (09022015). Collection method: clinical testing. Allele origin: germline.
Comment: This sequence change replaces tyrosine, which is neutral and polar, with phenylalanine, which is neutral and non-polar, at codon 164 of the SLC9A3R1 protein (p.Tyr164Phe). This variant is not present in population databases (gnomAD no frequency). This variant has not been reported in the literature in individuals affected with SLC9A3R1-related conditions. An algorithm developed to predict the effect of missense changes on protein structure and function (PolyPhen-2) suggests that this variant is likely to be disruptive. In summary, the available evidence is currently insufficient to determine the role of this variant in disease. Therefore, it has been classified as a Variant of Uncertain Significance.